The following is an entry in ClinVar:

NM_006922.4(SCN3A):c.4220A>C (p.Tyr1407Ser)

Gene: SCN3A (sodium voltage-gated channel alpha subunit 3; minus strand). Cytogenetic location: 2q24.3.
Variant type: single nucleotide variant.
Coding change: c.4220A>C on transcript NM_006922.4 (MANE Select); coding-DNA position 4220, A replaced by C.
Protein change: p.Tyr1407Ser; replaces tyrosine 1407 with serine.
Molecular consequence: missense variant.
Genome position (GRCh38, 1-based): chr2:165,097,271, T>G on the plus strand (A>C on the coding strand, the complement: SCN3A is on the minus strand). VCF-style: chr2-165097271-T-G. GRCh37 (hg19) VCF-style: chr2-165953781-T-G.
Other names: c.4073A>C, p.Tyr1358Ser (NM_001081676.2, NM_001081677.2); short protein forms Y1407S, Y1358S.
Identifiers: ClinVar variation 4745727 (VCV004745727.1).

ClinVar aggregate classification (germline): Uncertain significance (1 of 4 stars; one submission).

Submission:

Labcorp Genetics (formerly Invitae), Labcorp
Classification: Uncertain significance. Last evaluated: 2025-12-04. Review status: criteria provided, single submitter. Criteria: Invitae Variant Classification Sherloc (09022015). Collection method: clinical testing. Allele origin: germline.
Comment: This sequence change replaces tyrosine, which is neutral and polar, with serine, which is neutral and polar, at codon 1407 of the SCN3A protein (p.Tyr1407Ser). This variant is not present in population databases (gnomAD no frequency). This variant has not been reported in the literature in individuals affected with SCN3A-related conditions. Invitae Evidence Modeling of protein sequence and biophysical properties (such as structural, functional, and spatial information, amino acid conservation, physicochemical variation, residue mobility, and thermodynamic stability) indicates that this missense variant is expected to disrupt SCN3A protein function with a positive predictive value of 95%. In summary, the available evidence is currently insufficient to determine the role of this variant in disease. Therefore, it has been classified as a Variant of Uncertain Significance.